The following is an entry in ClinVar:

ClinVar aggregate classification (germline): Uncertain significance. Review status: criteria provided, multiple submitters, no conflicts (2 of 4 stars). 2 submissions from 2 submitters: Uncertain significance (2). Last evaluated 2025-12-08.

Conditions:
Inborn genetic diseases. Identifiers: MedGen C0950123, MeSH D030342.

Submissions (2):

Ambry Genetics
Classification: Uncertain significance for Inborn genetic diseases. Last evaluated: 2025-12-08. Review status: criteria provided, single submitter. Criteria: Ambry Variant Classification Scheme 2023. Collection method: clinical testing. Allele origin: germline.

Women's Health and Genetics/Laboratory Corporation of America, LabCorp
Classification: Uncertain significance. Last evaluated: 2024-09-25. Review status: criteria provided, single submitter. Criteria: LabCorp Variant Classification Summary - May 2015. Collection method: clinical testing. Allele origin: germline.
Comment: Variant summary: ANK3 c.5700G>C (p.Glu1900Asp) results in a conservative amino acid change in the encoded protein sequence. Three of five in-silico tools predict a damaging effect of the variant on protein function. The variant was absent in 250590 control chromosomes. The available data on variant occurrences in the general population are insufficient to allow any conclusion about variant significance. To our knowledge, no occurrence of c.5700G>C in individuals affected with Mental Retardation, Autosomal Recessive 37 and no experimental evidence demonstrating its impact on protein function have been reported. No submitters have cited clinical-significance assessments for this variant to ClinVar. Based on the evidence outlined above, the variant was classified as uncertain significance.

NM_020987.5(ANK3):c.5700G>C (p.Glu1900Asp)

Gene: ANK3 (ankyrin 3; minus strand). Cytogenetic location: 10q21.2.
Variant type: single nucleotide variant.
Coding change: c.5700G>C on transcript NM_020987.5 (MANE Select); coding-DNA position 5700, G replaced by C.
Protein change: p.Glu1900Asp; replaces glutamic acid 1900 with aspartic acid.
Molecular consequence: missense variant. On other transcripts: intron variant (4).
Genome position (GRCh38, 1-based): chr10:60,075,181, C>G on the plus strand (G>C on the coding strand, the complement: ANK3 is on the minus strand). VCF-style: chr10-60075181-C-G. GRCh37 (hg19) VCF-style: chr10-61834939-C-G.
Other names: c.5700G>C (NM_020987.3); c.4387+5356G>C (NM_001204403.2); c.4408+5356G>C (NM_001204404.2); c.4405+5356G>C (NM_001320874.2); c.1807+5356G>C (NM_001149.4); short protein forms E1900D.
Identifiers: ClinVar variation 3375199 (VCV003375199.2).